The following is an entry in ClinVar:

NM_001134407.3(GRIN2A):c.3640T>G (p.Cys1214Gly)

Gene: GRIN2A (glutamate ionotropic receptor NMDA type subunit 2A; minus strand). Cytogenetic location: 16p13.2.
Variant type: single nucleotide variant.
Coding change: c.3640T>G on transcript NM_001134407.3 (MANE Select); coding-DNA position 3640, T replaced by G.
Protein change: p.Cys1214Gly; replaces cysteine 1214 with glycine.
Molecular consequence: missense variant.
Genome position (GRCh38, 1-based): chr16:9,763,904, A>C on the plus strand (T>G on the coding strand, the complement: GRIN2A is on the minus strand). VCF-style: chr16-9763904-A-C. GRCh37 (hg19) VCF-style: chr16-9857761-A-C.
Other names: c.3640T>G, p.Cys1214Gly (NM_000833.5, NM_001134408.2); short protein forms C1214G.
Identifiers: ClinVar variation 2504221 (VCV002504221.1), dbSNP rs754121731, ClinGen allele CA7896272.

ClinVar aggregate classification (germline): Uncertain significance (1 of 4 stars; one submission).

Allele frequency attached by ClinVar (database versions not stated): ExAC 0.00001.
gnomAD v4.1: 2 of 1,614,138 alleles (0.00012%); highest among the groups gnomAD compares: Admixed American, 0.0033%; no homozygotes.

Submission:

GeneDx
Classification: Uncertain significance. Last evaluated: 2022-12-01. Review status: criteria provided, single submitter. Criteria: GeneDx Variant Classification Process June 2021. Collection method: clinical testing. Allele origin: germline. Affected: yes.
Comment: In silico analysis supports that this missense variant has a deleterious effect on protein structure/function; Has not been previously published as pathogenic or benign to our knowledge